The following is an entry in ClinVar:

NM_024675.4(PALB2):c.934A>G (p.Ser312Gly)

Gene: PALB2 (partner and localizer of BRCA2; minus strand). Cytogenetic location: 16p12.2.
Variant type: single nucleotide variant.
Coding change: c.934A>G on transcript NM_024675.4 (MANE Select); coding-DNA position 934, A replaced by G.
Protein change: p.Ser312Gly; replaces serine 312 with glycine.
Molecular consequence: missense variant. On other transcripts: intron variant (3).
Genome position (GRCh38, 1-based): chr16:23,635,612, T>C on the plus strand (A>G on the coding strand, the complement: PALB2 is on the minus strand). VCF-style: chr16-23635612-T-C. GRCh37 (hg19) VCF-style: chr16-23646933-T-C.
Other names: c.874A>G, p.Ser292Gly (NM_001407296.1); c.934A>G, p.Ser312Gly (NM_001407297.1, NM_001407298.1, NM_001407299.1 and 3 more transcripts); c.49A>G, p.Ser17Gly (NM_001407304.1, NM_001407305.1, NM_001407306.1 and 5 more transcripts); c.48+5498A>G (NM_001407314.1); c.-104-5143A>G (NM_001407313.1, NM_001407312.1); short protein forms S17G, S292G, S312G.
Identifiers: ClinVar variation 3228048 (VCV003228048.1), dbSNP rs1401541483, ClinGen allele CA395135236.

ClinVar aggregate classification (germline): Uncertain significance (1 of 4 stars; one submission).

Conditions:
Hereditary cancer-predisposing syndrome. Also called: Neoplastic Syndromes, Hereditary; Tumor predisposition; Hereditary neoplastic syndrome; Hereditary Cancer Syndrome. Identifiers: Orphanet 140162, MedGen C0027672, MeSH D009386, MONDO:0015356.

Submission:

Ambry Genetics
Classification: Uncertain significance for Hereditary cancer-predisposing syndrome. Last evaluated: 2023-11-06. Review status: criteria provided, single submitter. Criteria: Ambry Variant Classification Scheme 2023. Collection method: clinical testing. Allele origin: germline.
Comment: The p.S312G variant (also known as c.934A>G), located in coding exon 4 of the PALB2 gene, results from an A to G substitution at nucleotide position 934. The serine at codon 312 is replaced by glycine, an amino acid with similar properties. This amino acid position is conserved. In addition, this alteration is predicted to be tolerated by in silico analysis. Since supporting evidence is limited at this time, the clinical significance of this alteration remains unclear.